The following is an entry in ClinVar:

ClinVar aggregate classification (germline): Uncertain significance. Review status: criteria provided, multiple submitters, no conflicts (2 of 4 stars). 2 submissions from 2 submitters: Uncertain significance (2). Last evaluated 2025-03-11.

Conditions:
Hereditary cancer-predisposing syndrome. Also called: Hereditary neoplastic syndrome; Neoplastic Syndromes, Hereditary; Tumor predisposition; Hereditary Cancer Syndrome. Identifiers: Orphanet 140162, MedGen C0027672, MeSH D009386, MONDO:0015356.
Cardiovascular phenotype. Identifiers: MedGen CN230736.
Neurofibromatosis, type 1 (NF1). Also called: VON RECKLINGHAUSEN DISEASE; NEUROFIBROMATOSIS, TYPE I, SOMATIC; Peripheral type neurofibromatosis; Neurofibromatosis, type I. Identifiers: Orphanet 636, MedGen C0027831, MONDO:0018975, OMIM 162200. Disease mechanism: loss of function.

Submissions (2):

Ambry Genetics
Classification: Uncertain significance for Cardiovascular phenotype; Hereditary cancer-predisposing syndrome. Last evaluated: 2025-03-11. Review status: criteria provided, single submitter. Criteria: Ambry Variant Classification Scheme 2023. Collection method: clinical testing. Allele origin: germline.
Comment: The p.S1463P variant (also known as c.4387T>C), located in coding exon 33 of the NF1 gene, results from a T to C substitution at nucleotide position 4387. The serine at codon 1463 is replaced by proline, an amino acid with similar properties. This amino acid position is highly conserved in available vertebrate species. In addition, this alteration is predicted to be deleterious by in silico analysis. Based on the available evidence, the clinical significance of this variant remains unclear.

Labcorp Genetics (formerly Invitae), Labcorp
Classification: Uncertain significance for Neurofibromatosis, type 1. Last evaluated: 2020-07-21. Review status: criteria provided, single submitter. Criteria: Invitae Variant Classification Sherloc (09022015). Collection method: clinical testing. Allele origin: germline.
Comment: This variant is not present in population databases (ExAC no frequency). This variant has not been reported in the literature in individuals with NF1-related conditions. Advanced modeling of protein sequence and biophysical properties (such as structural, functional, and spatial information, amino acid conservation, physicochemical variation, residue mobility, and thermodynamic stability) performed at Invitae indicates that this missense variant is expected to disrupt NF1 protein function. In summary, the available evidence is currently insufficient to determine the role of this variant in disease. Therefore, it has been classified as a Variant of Uncertain Significance. This sequence change replaces serine with proline at codon 1463 of the NF1 protein (p.Ser1463Pro). The serine residue is moderately conserved and there is a moderate physicochemical difference between serine and proline.

NM_001042492.3(NF1):c.4450T>C (p.Ser1484Pro)

Gene: NF1 (neurofibromin 1; plus strand). Cytogenetic location: 17q11.2.
Variant type: single nucleotide variant.
Coding change: c.4450T>C on transcript NM_001042492.3 (MANE Select); coding-DNA position 4450, T replaced by C.
Protein change: p.Ser1484Pro; replaces serine 1484 with proline.
Molecular consequence: missense variant.
Genome position (GRCh38, 1-based): chr17:31,260,388, T>C. VCF-style: chr17-31260388-T-C. GRCh37 (hg19) VCF-style: chr17-29587406-T-C.
Other names: c.4387T>C, p.Ser1463Pro (NM_000267.4); short protein forms S1484P, S1463P.
Identifiers: ClinVar variation 1040864 (VCV001040864.9), dbSNP rs2067662922, ClinGen allele CA398999223.